The following is an entry in ClinVar:

NM_000348.4(SRD5A2):c.485A>C (p.His162Pro)

Gene: SRD5A2 (steroid 5 alpha-reductase 2; minus strand). Cytogenetic location: 2p23.1.
Variant type: single nucleotide variant.
Coding change: c.485A>C on transcript NM_000348.4 (MANE Select); coding-DNA position 485, A replaced by C.
Protein change: p.His162Pro; replaces histidine 162 with proline.
Molecular consequence: missense variant.
Genome position (GRCh38, 1-based): chr2:31,531,433, T>G on the plus strand (A>C on the coding strand, the complement: SRD5A2 is on the minus strand). VCF-style: chr2-31531433-T-G. GRCh37 (hg19) VCF-style: chr2-31756503-T-G.
Other names: short protein forms H162P.
Identifiers: ClinVar variation 973099 (VCV000973099.4), dbSNP rs1665904910, ClinGen allele CA346598294.

ClinVar aggregate classification (germline): Pathogenic/Likely pathogenic. Review status: criteria provided, multiple submitters, no conflicts (2 of 4 stars). 2 submissions from 2 submitters: Pathogenic (1); Likely pathogenic (1). Last evaluated 2024-01-12.

Conditions:
3-Oxo-5 alpha-steroid delta 4-dehydrogenase deficiency (PPSH). Also called: 46,XY disorder of sex development due to 5-alpha-reductase 2 deficiency; MALE PSEUDOHERMAPHRODITISM DUE TO 5-ALPHA-REDUCTASE DEFICIENCY; PSEUDOVAGINAL PERINEOSCROTAL HYPOSPADIAS; FAMILIAL INCOMPLETE MALE PSEUDOHERMAPHRODITISM, TYPE 2. Identifiers: Orphanet 753, MedGen C0268297, MONDO:0009923, OMIM 264600. Disease mechanism: loss of function.

Submissions (2):

Labcorp Genetics (formerly Invitae), Labcorp
Classification: Likely pathogenic for 3-Oxo-5 alpha-steroid delta 4-dehydrogenase deficiency. Last evaluated: 2024-01-12. Review status: criteria provided, single submitter. Criteria: Invitae Variant Classification Sherloc (09022015). Collection method: clinical testing. Allele origin: germline.
Comment: This sequence change replaces histidine, which is basic and polar, with proline, which is neutral and non-polar, at codon 162 of the SRD5A2 protein (p.His162Pro). This variant is not present in population databases (gnomAD no frequency). This missense change has been observed in individual(s) with steroid-5 alpha-reductase deficiency (PMID: 31031332, 35386187). In at least one individual the data is consistent with being in trans (on the opposite chromosome) from a pathogenic variant. ClinVar contains an entry for this variant (Variation ID: 973099). Advanced modeling of protein sequence and biophysical properties (such as structural, functional, and spatial information, amino acid conservation, physicochemical variation, residue mobility, and thermodynamic stability) performed at Invitae indicates that this missense variant is expected to disrupt SRD5A2 protein function with a positive predictive value of 80%. Experimental studies have shown that this missense change affects SRD5A2 function (PMID: 31031332). In summary, the currently available evidence indicates that the variant is pathogenic, but additional data are needed to prove that conclusively. Therefore, this variant has been classified as Likely Pathogenic.

Department of Medical Genetics, Hue University of Medicine and Pharmacy
Classification: Pathogenic for 3-Oxo-5 alpha-steroid delta 4-dehydrogenase deficiency. Last evaluated: 2019-11-15. Review status: criteria provided, single submitter. Criteria: ACMG Guidelines, 2015. Collection method: clinical testing. Allele origin: unknown. Inheritance: Autosomal recessive inheritance. Affected: yes.
Comment: This variant, NM_000348.4:c.485A>C, was found in compound heterozygosity with the pathogenic variant NM_000348.4:c.680G>A.

Literature cited by the submitters: PubMed 31031332 (cited by Labcorp Genetics (formerly Invitae), Labcorp); PubMed 35386187 (cited by Labcorp Genetics (formerly Invitae), Labcorp).